The following is an entry in ClinVar:

ClinVar aggregate classification (germline): Uncertain significance (1 of 4 stars; one submission).

Conditions:
Cardiovascular phenotype. Identifiers: MedGen CN230736.

gnomAD v4.1: 4 of 1,613,966 alleles (0.00025%); highest among the groups gnomAD compares: African/African-American, 0.0053%; no homozygotes.

Submission:

Ambry Genetics
Classification: Uncertain significance for Cardiovascular phenotype. Last evaluated: 2026-09-14. Review status: criteria provided, single submitter. Criteria: Ambry Variant Classification Scheme 2023. Collection method: clinical testing. Allele origin: germline.
Comment: The p.F2650V variant (also known as c.7948T>G), located in coding exon 26 of the APOB gene, results from a T to G substitution at nucleotide position 7948. The phenylalanine at codon 2650 is replaced by valine, an amino acid with highly similar properties. This amino acid position is conserved. In addition, the in silico prediction for this alteration is inconclusive. Based on the available evidence, the clinical significance of this variant remains unclear.

NM_000384.3(APOB):c.7948T>G (p.Phe2650Val)

Gene: APOB (apolipoprotein B; minus strand). Cytogenetic location: 2p24.1.
Variant type: single nucleotide variant.
Coding change: c.7948T>G on transcript NM_000384.3 (MANE Select); coding-DNA position 7948, T replaced by G.
Protein change: p.Phe2650Val; replaces phenylalanine 2650 with valine.
Molecular consequence: missense variant.
Genome position (GRCh38, 1-based): chr2:21,008,920, A>C on the plus strand (T>G on the coding strand, the complement: APOB is on the minus strand). VCF-style: chr2-21008920-A-C. GRCh37 (hg19) VCF-style: chr2-21231792-A-C.
Other names: short protein forms F2650V.
Identifiers: ClinVar variation 5026813 (VCV005026813.1).